The following is an entry in ClinVar:

ClinVar aggregate classification (germline): Benign (1 of 4 stars; one submission).

Allele frequency attached by ClinVar (database versions not stated): 1000 Genomes Project 30x 0.49016; 1000 Genomes Project 0.49581; TOPMed 0.54928; gnomAD 0.56398 and 0.56695.
gnomAD v4.1: 85,494 of 151,702 alleles (56%); highest among the groups gnomAD compares: Non-Finnish European, 62%; 24,517 homozygotes.

Submission:

GeneDx
Classification: Benign. Last evaluated: 2018-06-14. Review status: criteria provided, single submitter. Criteria: GeneDx Variant Classification (06012015). Collection method: clinical testing. Allele origin: germline. Affected: yes.
Comment: This variant is considered likely benign or benign based on one or more of the following criteria: it is a conservative change, it occurs at a poorly conserved position in the protein, it is predicted to be benign by multiple in silico algorithms, and/or has population frequency not consistent with disease.

NM_153717.3(EVC):c.802-311T>C

Gene: EVC (EvC ciliary complex subunit 1; plus strand). Cytogenetic location: 4p16.2.
Variant type: single nucleotide variant.
Coding change: c.802-311T>C on transcript NM_153717.3 (MANE Select); 311 bases into the intron before coding-DNA position 802, T replaced by C.
Molecular consequence: intron variant.
Genome position (GRCh38, 1-based): chr4:5,744,893, T>C. VCF-style: chr4-5744893-T-C. GRCh37 (hg19) VCF-style: chr4-5746620-T-C.
Other names: c.802-311T>C (NM_001306090.2, NM_001306092.2).
Identifiers: ClinVar variation 667834 (VCV000667834.1), dbSNP rs1351357, ClinGen allele CA15341079.